The following is an entry in ClinVar:

NM_001127222.2(CACNA1A):c.2056G>C (p.Gly686Arg)

Gene: CACNA1A (calcium voltage-gated channel subunit alpha1 A; minus strand). Cytogenetic location: 19p13.13.
Variant type: single nucleotide variant.
Coding change: c.2056G>C on transcript NM_001127222.2 (MANE Select); coding-DNA position 2056, G replaced by C.
Protein change: p.Gly686Arg; replaces glycine 686 with arginine.
Molecular consequence: missense variant.
Genome position (GRCh38, 1-based): chr19:13,303,815, C>G on the plus strand (G>C on the coding strand, the complement: CACNA1A is on the minus strand). VCF-style: chr19-13303815-C-G. GRCh37 (hg19) VCF-style: chr19-13414629-C-G.
Other names: c.2059G>C, p.Gly687Arg (NM_000068.4, NM_001127221.2, NM_001174080.2 and 1 more transcripts); short protein forms G687R, G686R.
Identifiers: ClinVar variation 4795453 (VCV004795453.1).

ClinVar aggregate classification (germline): Uncertain significance (1 of 4 stars; one submission).

Submission:

GeneDx
Classification: Uncertain significance. Last evaluated: 2025-08-13. Review status: criteria provided, single submitter. Criteria: GeneDx Variant Classification Process June 2021. Collection method: clinical testing. Allele origin: germline. Affected: yes.
Comment: Not observed at significant frequency in large population cohorts (gnomAD); In silico analysis supports that this missense variant has a deleterious effect on protein structure/function; Has not been previously published as pathogenic or benign to our knowledge